The following is an entry in ClinVar:

ClinVar aggregate classification (germline): Pathogenic (1 of 4 stars; one submission).

Conditions:
Neurofibromatosis, type 1 (NF1). Also called: NEUROFIBROMATOSIS, TYPE I, SOMATIC; Peripheral type neurofibromatosis; Neurofibromatosis, type I; VON RECKLINGHAUSEN DISEASE. Identifiers: Orphanet 636, MedGen C0027831, MONDO:0018975, OMIM 162200. Disease mechanism: loss of function.

Submission:

Labcorp Genetics (formerly Invitae), Labcorp
Classification: Pathogenic for Neurofibromatosis, type 1. Last evaluated: 2024-12-22. Review status: criteria provided, single submitter. Criteria: Invitae Variant Classification Sherloc (09022015). Collection method: clinical testing. Allele origin: germline.
Comment: This sequence change creates a premature translational stop signal (p.Val341Metfs*36) in the NF1 gene. It is expected to result in an absent or disrupted protein product. Loss-of-function variants in NF1 are known to be pathogenic (PMID: 10712197, 23913538). This variant is not present in population databases (gnomAD no frequency). This variant has not been reported in the literature in individuals affected with NF1-related conditions. Algorithms developed to predict the effect of sequence changes on RNA splicing suggest that this variant may disrupt the consensus splice site. For these reasons, this variant has been classified as Pathogenic.

Literature cited by the submitters: PubMed 10712197; PubMed 23913538.

NM_001042492.3(NF1):c.1020_1021insAT (p.Val341fs)

Gene: NF1 (neurofibromin 1; plus strand). Cytogenetic location: 17q11.2.
Variant type: Insertion.
Coding change: c.1020_1021insAT on transcript NM_001042492.3 (MANE Select); coding-DNA positions 1020 to 1021, AT inserted.
Protein change: p.Val341fs; shifts the reading frame from valine 341.
Molecular consequence: frameshift variant.
Genome position: GRCh38 VCF-style: chr17-31200552-C-CTA. GRCh37 (hg19) VCF-style: chr17-29527570-C-CTA.
Other names: c.1020_1021insAT, p.Val341Metfs (NM_000267.4); c.1020_1021insAT, p.Val341fs (NM_001128147.3); short protein forms V341fs.
Identifiers: ClinVar variation 3727742 (VCV003727742.2).